The following is an entry in ClinVar:

NM_007126.5(VCP):c.1202A>T (p.Asn401Ile)

Gene: VCP (valosin containing protein; minus strand). Cytogenetic location: 9p13.3.
Variant type: single nucleotide variant.
Coding change: c.1202A>T on transcript NM_007126.5 (MANE Select); coding-DNA position 1202, A replaced by T.
Protein change: p.Asn401Ile; replaces asparagine 401 with isoleucine.
Molecular consequence: missense variant.
Genome position (GRCh38, 1-based): chr9:35,061,172, T>A on the plus strand (A>T on the coding strand, the complement: VCP is on the minus strand). VCF-style: chr9-35061172-T-A. GRCh37 (hg19) VCF-style: chr9-35061169-T-A.
Other names: c.1067A>T, p.Asn356Ile (NM_001354927.2, NM_001354928.2); short protein forms N356I, N401I.
Identifiers: ClinVar variation 1497171 (VCV001497171.8), dbSNP rs148329626, ClinGen allele CA373282772.
Genomic context (GRCh38, chr9:35,061,172, plus strand): 5'-TGCAGAGCAGCCTCTGAGCACAGGGCTGCTAAGTCAGCACCCACATGCCCGTGAGTCTCA[T>A]TGGCTACCTGCAGAGAAAGATCTACTTACTATGCTGCCTCAAAGACCCAGCTGCTGCAGG-3'
Protein context (NP_009057.1, residues 391-411): ADDVDLEQVA[Asn401Ile]ETHGHVGADL

ClinVar aggregate classification (germline): Uncertain significance (1 of 4 stars; one submission).

Conditions:
Frontotemporal dementia and/or amyotrophic lateral sclerosis 6 (FTDALS6). Also called: VCP-Related Amyotrophic Lateral Sclerosis; VCP-Related Amyotrophic Lateral Sclerosis/Frontotemporal Dementia. Identifiers: Orphanet 275872, Orphanet 803, MedGen C5436279, MONDO:0013501, OMIM 613954.
Inclusion body myopathy with Paget disease of bone and frontotemporal dementia. Also called: Inclusion body myopathy with early-onset Paget disease and frontotemporal dementia. Identifiers: Orphanet 52430, MedGen C1833662, MONDO:0000507.

Submission:

Labcorp Genetics (formerly Invitae), Labcorp
Classification: Uncertain significance for Inclusion body myopathy with Paget disease of bone and frontotemporal dementia; Frontotemporal dementia and/or amyotrophic lateral sclerosis 6. Last evaluated: 2022-07-05. Review status: criteria provided, single submitter. Criteria: Invitae Variant Classification Sherloc (09022015). Collection method: clinical testing. Allele origin: germline.
Comment: This sequence change replaces asparagine, which is neutral and polar, with isoleucine, which is neutral and non-polar, at codon 401 of the VCP protein (p.Asn401Ile). This variant is not present in population databases (gnomAD no frequency). This variant has not been reported in the literature in individuals affected with VCP-related conditions. ClinVar contains an entry for this variant (Variation ID: 1497171). Advanced modeling of protein sequence and biophysical properties (such as structural, functional, and spatial information, amino acid conservation, physicochemical variation, residue mobility, and thermodynamic stability) performed at Invitae indicates that this missense variant is not expected to disrupt VCP protein function. In summary, the available evidence is currently insufficient to determine the role of this variant in disease. Therefore, it has been classified as a Variant of Uncertain Significance.